The following is an entry in ClinVar:

ClinVar aggregate classification (germline): Pathogenic. Review status: criteria provided, multiple submitters, no conflicts (2 of 4 stars). 4 submissions from 4 submitters: Pathogenic (3). 1 of the submissions does not count toward it. Last evaluated 2024-11-27.

Conditions:
Developmental and epileptic encephalopathy, 11 (DEE11). Also called: Early infantile epileptic encephalopathy 11. Identifiers: Orphanet 1934, MedGen C3150987, MONDO:0013388, OMIM 613721.
Seizures, benign familial infantile, 3 (BFIS3). Also called: Familial neonatal seizures; CONVULSIONS, BENIGN FAMILIAL INFANTILE, 3. Identifiers: Orphanet 140927, Orphanet 306, MedGen C1843140, MONDO:0011904, OMIM 607745.
Episodic ataxia, type 9. Identifiers: MedGen C5394520, MONDO:0030064, OMIM 618924.

Submissions (4):

Women's Health and Genetics/Laboratory Corporation of America, LabCorp
Classification: Pathogenic for Developmental and epileptic encephalopathy, 11. Last evaluated: 2024-11-27. Review status: criteria provided, single submitter. Criteria: LabCorp Variant Classification Summary - May 2015. Collection method: clinical testing. Allele origin: germline.
Comment: Variant summary: SCN2A c.843G>A (p.Trp281X) results in a premature termination codon, predicted to cause absence of the protein due to nonsense mediated decay, which is a commonly known mechanism for disease. The variant was absent in 251232 control chromosomes (gnomAD). To our knowledge, no occurrence of c.843G>A in individuals affected with Early Infantile Epileptic Encephalopathy 11 and no experimental evidence demonstrating its impact on protein function have been reported. ClinVar contains an entry for this variant (Variation ID: 946767). Based on the evidence outlined above, the variant was classified as pathogenic.

Institute for Clinical Genetics, University Hospital TU Dresden, University Hospital TU Dresden
Classification: Pathogenic. Last evaluated: 2021-11-03. Review status: criteria provided, single submitter. Criteria: ACMG Guidelines, 2015. Collection method: clinical testing. Allele origin: germline.

Labcorp Genetics (formerly Invitae), Labcorp
Classification: Pathogenic for Seizures, benign familial infantile, 3; Developmental and epileptic encephalopathy, 11. Last evaluated: 2019-06-22. Review status: criteria provided, single submitter. Criteria: Invitae Variant Classification Sherloc (09022015). Collection method: clinical testing. Allele origin: germline.
Comment: Loss-of-function variants in SCN2A are known to be pathogenic (PMID: 22495306, 23020937, 24650168). For these reasons, this variant has been classified as Pathogenic. This variant has not been reported in the literature in individuals with SCN2A-related conditions. This sequence change creates a premature translational stop signal (p.Trp281*) in the SCN2A gene. It is expected to result in an absent or disrupted protein product. This variant is not present in population databases (ExAC no frequency).

Service de Génétique Moléculaire, Hôpital Robert Debré
Classification: Likely pathogenic for Developmental and epileptic encephalopathy, 11; Episodic ataxia, type 9; Seizures, benign familial infantile, 3. Last evaluated: 2020-04-21. Review status: no assertion criteria provided. Collection method: clinical testing. Allele origin: de novo. Affected: yes. Not counted in ClinVar's aggregate classification.

Literature cited by the submitters: PubMed 22495306 (cited by Labcorp Genetics (formerly Invitae), Labcorp); PubMed 23020937 (cited by Labcorp Genetics (formerly Invitae), Labcorp); PubMed 24650168 (cited by Labcorp Genetics (formerly Invitae), Labcorp).

NM_001040142.2(SCN2A):c.843G>A (p.Trp281Ter)

Gene: SCN2A (sodium voltage-gated channel alpha subunit 2; plus strand). Cytogenetic location: 2q24.3.
Variant type: single nucleotide variant.
Coding change: c.843G>A on transcript NM_001040142.2 (MANE Select); coding-DNA position 843, G replaced by A.
Protein change: p.Trp281Ter; replaces tryptophan 281 with a stop codon.
Molecular consequence: nonsense.
Genome position (GRCh38, 1-based): chr2:165,310,468, G>A. VCF-style: chr2-165310468-G-A. GRCh37 (hg19) VCF-style: chr2-166166978-G-A.
Other names: c.843G>A, p.Trp281Ter (NM_001040143.2, NM_001371246.1, NM_001371247.1 and 1 more transcripts); short protein forms W281*.
Identifiers: ClinVar variation 946767 (VCV000946767.13), dbSNP rs1553567991, ClinGen allele CA349018333.
Genomic context (GRCh38, chr2:165,310,468, plus strand): 5'-GTTTGCGCTAATAGGATTGCAGTTGTTCATGGGCAACCTACGAAATAAATGTTTGCAATG[G>A]CCTCCAGATAATTCTTCCTTTGAAATAAATATCACTTCCTTCTTTAACAATTCATTGGAT-3'